The following is an entry in ClinVar:

ClinVar aggregate classification (germline): Uncertain significance. Review status: criteria provided, multiple submitters, no conflicts (2 of 4 stars). 2 submissions from 2 submitters: Uncertain significance (2). Last evaluated 2024-05-30.

Conditions:
Inborn genetic diseases. Identifiers: MedGen C0950123, MeSH D030342.

Allele frequency attached by ClinVar (database versions not stated): TOPMed 0.00002; ESP Exome Variant Server 0.00008; 1000 Genomes Project 0.00020; 1000 Genomes Project 30x 0.00031.
gnomAD v4.1: 10 of 1,613,954 alleles (0.00062%); highest among the groups gnomAD compares: African/African-American, 0.0067%; no homozygotes.

Submissions (2):

Ambry Genetics
Classification: Uncertain significance for Inborn genetic diseases. Last evaluated: 2024-05-30. Review status: criteria provided, single submitter. Criteria: Ambry Variant Classification Scheme 2023. Collection method: clinical testing. Allele origin: germline.

Labcorp Genetics (formerly Invitae), Labcorp
Classification: Uncertain significance. Last evaluated: 2022-03-30. Review status: criteria provided, single submitter. Criteria: Invitae Variant Classification Sherloc (09022015). Collection method: clinical testing. Allele origin: germline.
Comment: This variant has not been reported in the literature in individuals affected with MYO18B-related conditions. In summary, the available evidence is currently insufficient to determine the role of this variant in disease. Therefore, it has been classified as a Variant of Uncertain Significance. Algorithms developed to predict the effect of missense changes on protein structure and function are either unavailable or do not agree on the potential impact of this missense change (SIFT: "Not Available"; PolyPhen-2: "Possibly Damaging"; Align-GVGD: "Not Available"). This variant is present in population databases (rs368091174, gnomAD 0.01%). This sequence change replaces glutamic acid, which is acidic and polar, with lysine, which is basic and polar, at codon 1055 of the MYO18B protein (p.Glu1055Lys).

NM_032608.7(MYO18B):c.3163G>A (p.Glu1055Lys)

Gene: MYO18B (myosin XVIIIB; plus strand). Cytogenetic location: 22q12.1.
Variant type: single nucleotide variant.
Coding change: c.3163G>A on transcript NM_032608.7 (MANE Select); coding-DNA position 3163, G replaced by A.
Protein change: p.Glu1055Lys; replaces glutamic acid 1055 with lysine.
Molecular consequence: missense variant.
Genome position (GRCh38, 1-based): chr22:25,835,398, G>A. VCF-style: chr22-25835398-G-A. GRCh37 (hg19) VCF-style: chr22-26231365-G-A.
Other names: c.3166G>A, p.Glu1056Lys (NM_001318245.2); c.3163G>A (NM_032608.5); short protein forms E1056K, E1055K.
Identifiers: ClinVar variation 1955684 (VCV001955684.6), dbSNP rs368091174, ClinGen allele CA10160471.